The following is an entry in ClinVar:

ClinVar aggregate classification (germline): Uncertain significance (1 of 4 stars; one submission).

Conditions:
Rubinstein-Taybi syndrome due to CREBBP mutations (RSTS1). Also called: RUBINSTEIN SYNDROME; BROAD THUMBS AND GREAT TOES, CHARACTERISTIC FACIES, AND IMPAIRED INTELLECTUAL DEVELOPMENT; RUBINSTEIN-TAYBI SYNDROME 1, INCOMPLETE; BROAD THUMB-HALLUX SYNDROME; Rubinstein-Taybi syndrome 1; CREBBP-Related Rubinstein-Taybi Syndrome. Identifiers: Orphanet 353277, Orphanet 783, MedGen C4551859, MONDO:0008393, OMIM 180849.

Submission:

Illumina Laboratory Services, Illumina
Classification: Uncertain significance for Rubinstein-Taybi syndrome due to CREBBP mutations. Last evaluated: 2019-05-01. Review status: criteria provided, single submitter. Criteria: ICSLVariantClassificationCriteria RUGD 01 April 2020. Collection method: clinical testing. Allele origin: unknown.
Comment: The CREBBP c.2417T>C (p.Met806Thr) variant is a missense variant. A literature search was performed for the gene, cDNA, and amino acid change. No publications were found based on this search. This variant is not found in the Genome Aggregation Database in a region of good sequencing coverage so the variant is presumed to be rare. Based on the limited evidence, the p.Met806Thr variant is classified as a variant of uncertain significance for Rubinstein-Taybi syndrome.

NM_004380.3(CREBBP):c.2417T>C (p.Met806Thr)

Gene: CREBBP (CREB binding lysine acetyltransferase; minus strand). Cytogenetic location: 16p13.3.
Variant type: single nucleotide variant.
Coding change: c.2417T>C on transcript NM_004380.3 (MANE Select); coding-DNA position 2417, T replaced by C.
Protein change: p.Met806Thr; replaces methionine 806 with threonine.
Molecular consequence: missense variant.
Genome position (GRCh38, 1-based): chr16:3,773,797, A>G on the plus strand (T>C on the coding strand, the complement: CREBBP is on the minus strand). VCF-style: chr16-3773797-A-G. GRCh37 (hg19) VCF-style: chr16-3823798-A-G.
Other names: c.2303T>C, p.Met768Thr (NM_001079846.1); short protein forms M768T, M806T.
Identifiers: ClinVar variation 989263 (VCV000989263.4), dbSNP rs1596895058, ClinGen allele CA394552864.